The following is an entry in ClinVar:

NM_001129.5(AEBP1):c.1151-8G>A

Gene: AEBP1 (AE binding protein 1; plus strand). Cytogenetic location: 7p13.
Variant type: single nucleotide variant.
Coding change: c.1151-8G>A on transcript NM_001129.5 (MANE Select); 8 bases into the intron before coding-DNA position 1151, G replaced by A.
Molecular consequence: intron variant.
Genome position (GRCh38, 1-based): chr7:44,110,007, G>A. VCF-style: chr7-44110007-G-A. GRCh37 (hg19) VCF-style: chr7-44149606-G-A.
Other names: p.?; c.1151-8G>A (NM_001129.4).
Identifiers: ClinVar variation 1561981 (VCV001561981.35), dbSNP rs367598223, ClinGen allele CA4237796.
Genomic context (GRCh38, chr7:44,110,007, plus strand): 5'-TTGGTTCTGGGTTTGGTGGAGGGAAGGATGGAGCTAGTGAGCCACCATTCTGGGGTACGC[G>A]TCCTCAGAGTGTCCCCCCATTGGGATGGAGTCACACCGTATTGAGGACAACCAGATCCGA-3'

ClinVar aggregate classification (germline): Benign/Likely benign. Review status: criteria provided, multiple submitters, no conflicts (2 of 4 stars). 6 submissions from 6 submitters: Benign (2); Likely benign (3). 1 of the submissions does not count toward it. Last evaluated 2026-07-01.

Conditions:
AEBP1-related disorder. Also called: AEBP1-related condition.

Allele frequency attached by ClinVar (database versions not stated): 1000 Genomes Project 0.00040; 1000 Genomes Project 30x 0.00047; gnomAD 0.00059 and 0.00063; TOPMed 0.00061; gnomAD exomes 0.00070 and 0.00071; ExAC 0.00074; ESP Exome Variant Server 0.00085.
gnomAD v4.1: 1,153 of 1,609,590 alleles (0.072%); highest among the groups gnomAD compares: Non-Finnish European, 0.076%; no homozygotes.

Submissions (6):

CeGaT Center for Human Genetics Tuebingen
Classification: Likely benign. Last evaluated: 2026-07-01. Review status: criteria provided, single submitter. Criteria: CeGaT Center For Human Genetics Tuebingen Variant Classification Criteria Version 2. Collection method: clinical testing. Allele origin: germline. Affected: yes. Observed: 4 variant alleles.
Comment: AEBP1: BP4

Labcorp Genetics (formerly Invitae), Labcorp
Classification: Benign. Last evaluated: 2026-01-12. Review status: criteria provided, single submitter. Criteria: Invitae Variant Classification Sherloc (09022015). Collection method: clinical testing. Allele origin: germline.

Mayo Clinic Laboratories, Mayo Clinic
Classification: Likely benign. Last evaluated: 2025-04-28. Review status: criteria provided, single submitter. Criteria: ACMG Guidelines, 2015. Collection method: clinical testing. Allele origin: germline. Observed: 8 variant alleles.
Comment: BS1, BP4, BP7

Women's Health and Genetics/Laboratory Corporation of America, LabCorp
Classification: Benign. Last evaluated: 2025-01-27. Review status: criteria provided, single submitter. Criteria: LabCorp Variant Classification Summary - May 2015. Collection method: clinical testing. Allele origin: germline.
Comment: Variant summary: AEBP1 c.1151-8G>A alters a conserved nucleotide located close to a canonical splice site and therefore could affect mRNA splicing, leading to a significantly altered protein sequence. Consensus agreement among computation tools predict no significant impact on normal splicing. However, these predictions have yet to be confirmed by functional studies. The variant allele was found at a frequency of 0.00072 in 1602624 control chromosomes, predominantly at a frequency of 0.0033 within the Ashkenazi Jewish subpopulation in the gnomAD database (v4.1 dataset). The observed variant frequency within Ashkenazi Jewish control individuals in the gnomAD database is approximately 3-fold of the estimated maximal expected allele frequency for a pathogenic variant in AEBP1 causing Ehlers-Danlos syndrome, classic-like, 2 phenotype (0.0011). To our knowledge, no occurrence of c.1151-8G>A in individuals affected with Ehlers-Danlos syndrome, classic-like, 2 and no experimental evidence demonstrating its impact on protein function have been reported. ClinVar contains an entry for this variant (Variation ID: 1561981). Based on the evidence outlined above, the variant was classified as benign.

Blueprint Genetics
Classification: Likely benign. Last evaluated: 2024-11-27. Review status: criteria provided, single submitter. Criteria: ACMG Guidelines, 2015. Collection method: clinical testing. Allele origin: germline.

PreventionGenetics, part of Exact Sciences
Classification: Likely benign for AEBP1-related condition. Last evaluated: 2024-01-19. Review status: no assertion criteria provided. Collection method: clinical testing. Allele origin: germline. Not counted in ClinVar's aggregate classification.
Comment: This variant is classified as likely benign based on ACMG/AMP sequence variant interpretation guidelines (Richards et al. 2015 PMID: 25741868, with internal and published modifications).